The following is an entry in ClinVar:

NM_024652.6(LRRK1):c.2319G>A (p.Thr773=)

Gene: LRRK1 (leucine rich repeat kinase 1; plus strand). Cytogenetic location: 15q26.3.
Variant type: single nucleotide variant.
Coding change: c.2319G>A on transcript NM_024652.6 (MANE Select); coding-DNA position 2319, G replaced by A.
Protein change: p.Thr773=; no amino-acid change (threonine 773 retained).
Molecular consequence: synonymous variant.
Genome position (GRCh38, 1-based): chr15:101,026,051, G>A. VCF-style: chr15-101026051-G-A. GRCh37 (hg19) VCF-style: chr15-101566256-G-A.
Other names: c.2319G>A (NM_024652.5).
Identifiers: ClinVar variation 1616921 (VCV001616921.11), dbSNP rs56251243, ClinGen allele CA7761191.

ClinVar aggregate classification (germline): Benign. Review status: criteria provided, multiple submitters, no conflicts (2 of 4 stars). 3 submissions from 3 submitters: Benign (2). 1 of the submissions does not count toward it. Last evaluated 2026-01-18.

Conditions:
LRRK1-related disorder. Also called: LRRK1-related condition.

Allele frequency attached by ClinVar (database versions not stated): ExAC 0.00229; 1000 Genomes Project 0.00699; gnomAD 0.00752 and 0.00823; ESP Exome Variant Server 0.00754; 1000 Genomes Project 30x 0.00796; TOPMed 0.00840.
gnomAD v4.1: 2,326 of 1,614,242 alleles (0.14%); highest among the groups gnomAD compares: African/African-American, 2.7%; 35 homozygotes.

Submissions (3):

Labcorp Genetics (formerly Invitae), Labcorp
Classification: Benign. Last evaluated: 2026-01-18. Review status: criteria provided, single submitter. Criteria: Invitae Variant Classification Sherloc (09022015). Collection method: clinical testing. Allele origin: germline.

Breakthrough Genomics
Classification: Benign. Review status: criteria provided, single submitter. Criteria: ACMG Guidelines, 2015. Collection method: not provided. Allele origin: germline. Inheritance: Autosomal recessive inheritance. Affected: yes.

PreventionGenetics, part of Exact Sciences
Classification: Benign for LRRK1-related condition. Last evaluated: 2019-05-20. Review status: no assertion criteria provided. Collection method: clinical testing. Allele origin: germline. Not counted in ClinVar's aggregate classification.
Comment: This variant is classified as benign based on ACMG/AMP sequence variant interpretation guidelines (Richards et al. 2015 PMID: 25741868, with internal and published modifications).